The following is an entry in ClinVar:

NM_152381.6(XIRP2):c.*1442G>C

Gene: XIRP2 (xin actin binding repeat containing 2; plus strand). Cytogenetic location: 2q24.3.
Variant type: single nucleotide variant.
Coding change: c.*1442G>C on transcript NM_152381.6 (MANE Select); 1442 bases downstream of the stop codon, G replaced by C.
Molecular consequence: 3 prime UTR variant. On other transcripts: missense variant (3).
Genome position (GRCh38, 1-based): chr2:167,259,259, G>C. VCF-style: chr2-167259259-G-C. GRCh37 (hg19) VCF-style: chr2-168115769-G-C.
Other names: c.2713G>C, p.Glu905Gln (NM_001079810.4); c.2812G>C, p.Glu938Gln (NM_001199143.2); c.*1442G>C (NM_001199144.2); c.2047G>C, p.Glu683Gln (NM_001199145.2); short protein forms E683Q, E905Q, E938Q.
Identifiers: ClinVar variation 3056072 (VCV003056072.2), dbSNP rs16853344, ClinGen allele CA1948612.

ClinVar aggregate classification (germline): Benign (0 of 4 stars; one submission).

Conditions:
XIRP2-related disorder. Also called: XIRP2-related condition.

Allele frequency attached by ClinVar (database versions not stated): ExAC 0.12770; ESP Exome Variant Server 0.15542; gnomAD 0.15980; TOPMed 0.16431; 1000 Genomes Project 30x 0.18036; 1000 Genomes Project 0.18051.
gnomAD v4.1: 180,679 of 1,613,180 alleles (11%); highest among the groups gnomAD compares: African/African-American, 30%; 11,963 homozygotes.

Submission:

PreventionGenetics, part of Exact Sciences
Classification: Benign for XIRP2-related condition. Last evaluated: 2019-11-06. Review status: no assertion criteria provided. Collection method: clinical testing. Allele origin: germline.
Comment: This variant is classified as benign based on ACMG/AMP sequence variant interpretation guidelines (Richards et al. 2015 PMID: 25741868, with internal and published modifications).